The following is an entry in ClinVar:

ClinVar aggregate classification (germline): Pathogenic (1 of 4 stars; one submission).

Conditions:
Familial cancer of breast. Also called: Hereditary breast cancer; BREAST CANCER, FAMILIAL; hereditary breast carcinoma. Identifiers: Orphanet 227535, MedGen C0346153, MONDO:0016419, OMIM 114480. Disease mechanism: loss of function.

Submission:

Myriad Genetics, Inc.
Classification: Pathogenic for Familial cancer of breast. Last evaluated: 2023-06-07. Review status: criteria provided, single submitter. Criteria: Myriad Autosomal Dominant, Autosomal Recessive and X-Linked Classification Criteria (2023). Collection method: clinical testing. Allele origin: unknown.
Comment: This variant is considered pathogenic. This variant creates a frameshift predicted to result in premature protein truncation.

NM_032043.3(BRIP1):c.2754dup (p.Ser919fs)

Gene: BRIP1 (BRCA1 interacting DNA helicase 1; minus strand). Cytogenetic location: 17q23.2.
Variant type: Duplication.
Coding change: c.2754dup on transcript NM_032043.3 (MANE Select); coding-DNA position 2754, one base duplicated (C; older notation c.2754dupC).
Protein change: p.Ser919fs; shifts the reading frame from serine 919.
Molecular consequence: frameshift variant.
Genome position (GRCh38, 1-based): chr17:61,685,987, G duplicated on the plus strand (C on the coding strand, the reverse complement: BRIP1 is on the minus strand); the first of 2 consecutive G bases (chr17:61,685,987-61,685,988); duplicating either gives the same sequence. VCF-style (leftmost placement, unchanged base first): chr17-61685986-A-AG. GRCh37 (hg19) VCF-style: chr17-59763347-A-AG.
Other names: short protein forms S919fs.
Identifiers: ClinVar variation 2583198 (VCV002583198.2), dbSNP rs2544571822, ClinGen allele CA2582342318.